The following is an entry in ClinVar:

NM_144670.6(A2ML1):c.1723G>T (p.Ala575Ser)

Gene: A2ML1 (alpha-2-macroglobulin like 1; plus strand). Cytogenetic location: 12p13.31.
Variant type: single nucleotide variant.
Coding change: c.1723G>T on transcript NM_144670.6 (MANE Select); coding-DNA position 1723, G replaced by T.
Protein change: p.Ala575Ser; replaces alanine 575 with serine.
Molecular consequence: missense variant.
Genome position (GRCh38, 1-based): chr12:8,847,588, G>T. VCF-style: chr12-8847588-G-T. GRCh37 (hg19) VCF-style: chr12-9000184-G-T.
Other names: c.1723G>T (NM_144670.3); c.250G>T, p.Ala84Ser (NM_001282424.3); short protein forms A575S, A84S.
Identifiers: ClinVar variation 2957414 (VCV002957414.4), dbSNP rs2539242047, ClinGen allele CA383828525.

ClinVar aggregate classification (germline): Uncertain significance. Review status: criteria provided, multiple submitters, no conflicts (2 of 4 stars). 2 submissions from 2 submitters: Uncertain significance (2). Last evaluated 2025-04-30.

gnomAD v4.1: 3 of 1,613,362 alleles (0.00019%); highest among the groups gnomAD compares: African/African-American, 0.0027%; no homozygotes.

Submissions (2):

Ambry Genetics
Classification: Uncertain significance. Last evaluated: 2025-04-30. Review status: criteria provided, single submitter. Criteria: Ambry Variant Classification Scheme 2023. Collection method: clinical testing. Allele origin: germline.
Comment: The p.A575S variant (also known as c.1723G>T), located in coding exon 15 of the A2ML1 gene, results from a G to T substitution at nucleotide position 1723. The alanine at codon 575 is replaced by serine, an amino acid with similar properties. This amino acid position is conserved. In addition, this alteration is predicted to be tolerated by in silico analysis. Based on the available evidence, the clinical significance of this variant remains unclear.

Labcorp Genetics (formerly Invitae), Labcorp
Classification: Uncertain significance. Last evaluated: 2023-08-11. Review status: criteria provided, single submitter. Criteria: Invitae Variant Classification Sherloc (09022015). Collection method: clinical testing. Allele origin: germline.
Comment: In summary, the available evidence is currently insufficient to determine the role of this variant in disease. Therefore, it has been classified as a Variant of Uncertain Significance. Algorithms developed to predict the effect of missense changes on protein structure and function output the following: SIFT: "Not Available"; PolyPhen-2: "Benign"; Align-GVGD: "Not Available". The serine amino acid residue is found in multiple mammalian species, which suggests that this missense change does not adversely affect protein function. This variant has not been reported in the literature in individuals affected with A2ML1-related conditions. This variant is not present in population databases (gnomAD no frequency). This sequence change replaces alanine, which is neutral and non-polar, with serine, which is neutral and polar, at codon 575 of the A2ML1 protein (p.Ala575Ser).